The following is an entry in ClinVar:

NM_000368.5(TSC1):c.1841A>G (p.Lys614Arg)

Gene: TSC1 (TSC complex subunit 1; minus strand). Cytogenetic location: 9q34.13.
Variant type: single nucleotide variant.
Coding change: c.1841A>G on transcript NM_000368.5 (MANE Select); coding-DNA position 1841, A replaced by G.
Protein change: p.Lys614Arg; replaces lysine 614 with arginine.
Molecular consequence: missense variant. On other transcripts: non-coding transcript variant (5).
Genome position (GRCh38, 1-based): chr9:132,905,737, T>C on the plus strand (A>G on the coding strand, the complement: TSC1 is on the minus strand). VCF-style: chr9-132905737-T-C. GRCh37 (hg19) VCF-style: chr9-135781124-T-C.
Other names: c.1478A>G, p.Lys493Arg (NM_001406615.1, NM_001406616.1, NM_001406617.1 and 5 more transcripts); c.1475A>G, p.Lys492Arg (NM_001406620.1, NM_001406621.1, NM_001406622.1 and 2 more transcripts); c.1838A>G, p.Lys613Arg (NM_001162426.2, NM_001406608.1, NM_001406609.1 and 6 more transcripts); c.1688A>G, p.Lys563Arg (NM_001162427.2, NM_001406610.1); c.1841A>G, p.Lys614Arg (NM_001406592.1, NM_001406593.1, NM_001406594.1 and 7 more transcripts); c.1685A>G, p.Lys562Arg (NM_001406611.1, NM_001406612.1, NM_001406613.1); c.890A>G, p.Lys297Arg (NM_001406626.1); c.887A>G, p.Lys296Arg (NM_001406627.1, NM_001406628.1); and 1 more; short protein forms K493R, K492R, K613R, K297R, K563R, K614R, K263R, K296R.
Identifiers: ClinVar variation 2816716 (VCV002816716.5), dbSNP rs2131819570, ClinGen allele CA375363179.

ClinVar aggregate classification (germline): Uncertain significance. Review status: criteria provided, single submitter (1 of 4 stars). 2 submissions from 2 submitters: Uncertain significance (1). 1 of the submissions does not count toward it. Last evaluated 2023-02-01.

Conditions:
TSC1-related disorder. Also called: TSC1-related condition.
Tuberous sclerosis 1 (TSC1). Identifiers: Orphanet 805, MedGen C1854465, MONDO:0008612, OMIM 191100.

Submissions (2):

Labcorp Genetics (formerly Invitae), Labcorp
Classification: Uncertain significance for Tuberous sclerosis 1. Last evaluated: 2023-02-01. Review status: criteria provided, single submitter. Criteria: Invitae Variant Classification Sherloc (09022015). Collection method: clinical testing. Allele origin: germline.
Comment: This variant is not present in population databases (gnomAD no frequency). In summary, the available evidence is currently insufficient to determine the role of this variant in disease. Therefore, it has been classified as a Variant of Uncertain Significance. Advanced modeling of protein sequence and biophysical properties (such as structural, functional, and spatial information, amino acid conservation, physicochemical variation, residue mobility, and thermodynamic stability) performed at Invitae indicates that this missense variant is not expected to disrupt TSC1 protein function. This variant has not been reported in the literature in individuals affected with TSC1-related conditions. This sequence change replaces lysine, which is basic and polar, with arginine, which is basic and polar, at codon 614 of the TSC1 protein (p.Lys614Arg).

PreventionGenetics, part of Exact Sciences
Classification: Uncertain significance for TSC1-related condition. Last evaluated: 2023-10-27. Review status: no assertion criteria provided. Collection method: clinical testing. Allele origin: germline. Not counted in ClinVar's aggregate classification.
Comment: The TSC1 c.1841A>G variant is predicted to result in the amino acid substitution p.Lys614Arg. To our knowledge, this variant has not been reported in the literature or in a large population database, indicating this variant is rare. At this time, the clinical significance of this variant is uncertain due to the absence of conclusive functional and genetic evidence.